The following is an entry in ClinVar:

NM_004991.4(MECOM):c.1006C>G (p.Arg336Gly)

Gene: MECOM (MDS1 and EVI1 complex locus; minus strand). Cytogenetic location: 3q26.2.
Variant type: single nucleotide variant.
Coding change: c.1006C>G on transcript NM_004991.4 (MANE Select); coding-DNA position 1006, C replaced by G.
Protein change: p.Arg336Gly; replaces arginine 336 with glycine.
Molecular consequence: missense variant.
Genome position (GRCh38, 1-based): chr3:169,121,182, G>C on the plus strand (C>G on the coding strand, the complement: MECOM is on the minus strand). VCF-style: chr3-169121182-G-C. GRCh37 (hg19) VCF-style: chr3-168838970-G-C.
Other names: c.637C>G, p.Arg213Gly (NM_001105077.4); c.442C>G, p.Arg148Gly (NM_001105078.4, NM_001164000.2, NM_001205194.2 and 5 more transcripts); c.445C>G, p.Arg149Gly (NM_001163999.2, NM_001366467.2, NM_001366468.2 and 1 more transcripts); c.1006C>G, p.Arg336Gly (NM_001366466.2, NM_001366473.2); short protein forms R148G, R213G, R336G, R149G.
Identifiers: ClinVar variation 4624679 (VCV004624679.1).

ClinVar aggregate classification (germline): Uncertain significance (1 of 4 stars; one submission).

Conditions:
Inborn genetic diseases. Identifiers: MedGen C0950123, MeSH D030342.

gnomAD v4.1: 1 of 1,611,868 alleles (0.000062%); highest among the groups gnomAD compares: East Asian, 0.0022%; no homozygotes.

Submission:

Ambry Genetics
Classification: Uncertain significance for Inborn genetic diseases. Last evaluated: 2025-11-02. Review status: criteria provided, single submitter. Criteria: Ambry Variant Classification Scheme 2023. Collection method: clinical testing. Allele origin: germline.
Comment: The p.R336G variant (also known as c.1006C>G), located in coding exon 7 of the MECOM gene, results from a C to G substitution at nucleotide position 1006. The arginine at codon 336 is replaced by glycine, an amino acid with dissimilar properties. This amino acid position is conserved. In addition, this alteration is predicted to be deleterious by in silico analysis. Based on the available evidence, the clinical significance of this variant remains unclear.